The following is an entry in ClinVar:

NM_000487.6(ARSA):c.610A>G (p.Met204Val)

Gene: ARSA (arylsulfatase A; minus strand). Cytogenetic location: 22q13.33.
Variant type: single nucleotide variant.
Coding change: c.610A>G on transcript NM_000487.6 (MANE Select); coding-DNA position 610, A replaced by G.
Protein change: p.Met204Val; replaces methionine 204 with valine.
Molecular consequence: missense variant.
Genome position (GRCh38, 1-based): chr22:50,626,908, T>C on the plus strand (A>G on the coding strand, the complement: ARSA is on the minus strand). VCF-style: chr22-50626908-T-C. GRCh37 (hg19) VCF-style: chr22-51065336-T-C.
Other names: c.610A>G, p.Met204Val (NM_001085425.3, NM_001085426.3, NM_001085427.3); c.352A>G, p.Met118Val (NM_001085428.3, NM_001362782.2); short protein forms M204V, M118V.
Identifiers: ClinVar variation 572322 (VCV000572322.7), dbSNP rs1569080377, ClinGen allele CA412177316.
Genomic context (GRCh38, chr22:50,626,908, plus strand): 5'-ACAGGAAGAAGGGGCGATCCTGGCGCTGGGCGTCGGCCATGAGGTCATGGGCGAAAGCCA[T>C]GTAGCGGGCCTCTAGTCCGGGCAGCCAGGGGGGCTGCGCCTCCACGGACAGGTTGGCCAA-3'
Protein context (NP_000478.3, residues 194-214): PWLPGLEARY[Met204Val]AFAHDLMADA

ClinVar aggregate classification (germline): Uncertain significance. Review status: criteria provided, multiple submitters, no conflicts (2 of 4 stars). 4 submissions from 4 submitters: Uncertain significance (3). 1 of the submissions does not count toward it. Last evaluated 2022-07-12.

Conditions:
Metachromatic leukodystrophy (MLD). Also called: ARSA DEFICIENCY; Arylsulfatase A Deficiency; SULFATIDE LIPIDOSIS; CEREBROSIDE SULFATASE DEFICIENCY; Cerebral sclerosis diffuse metachromatic form; METACHROMATIC LEUKOENCEPHALOPATHY. Identifiers: Orphanet 512, MedGen C0023522, MONDO:0018868, OMIM 250100.

Allele frequency attached by ClinVar (database versions not stated): TOPMed below 0.00001; gnomAD 0.00001.

Submissions (4):

Labcorp Genetics (formerly Invitae), Labcorp
Classification: Uncertain significance for Metachromatic leukodystrophy. Last evaluated: 2022-07-12. Review status: criteria provided, single submitter. Criteria: Invitae Variant Classification Sherloc (09022015). Collection method: clinical testing. Allele origin: germline.
Comment: This sequence change replaces methionine, which is neutral and non-polar, with valine, which is neutral and non-polar, at codon 204 of the ARSA protein (p.Met204Val). This variant is not present in population databases (gnomAD no frequency). This variant has not been reported in the literature in individuals affected with ARSA-related conditions. ClinVar contains an entry for this variant (Variation ID: 572322). Algorithms developed to predict the effect of missense changes on protein structure and function output the following: SIFT: "Tolerated"; PolyPhen-2: "Benign"; Align-GVGD: "Class C0". The valine amino acid residue is found in multiple mammalian species, which suggests that this missense change does not adversely affect protein function. In summary, the available evidence is currently insufficient to determine the role of this variant in disease. Therefore, it has been classified as a Variant of Uncertain Significance.

GeneDx
Classification: Uncertain significance. Last evaluated: 2022-03-14. Review status: criteria provided, single submitter. Criteria: GeneDx Variant Classification Process June 2021. Collection method: clinical testing. Allele origin: germline. Affected: yes.
Comment: Not observed at significant frequency in large population cohorts (gnomAD); In silico analysis supports that this missense variant does not alter protein structure/function; Has not been previously published as pathogenic or benign to our knowledge

Breakthrough Genomics
Classification: Uncertain significance. Review status: criteria provided, single submitter. Criteria: ACMG Guidelines, 2015. Collection method: not provided. Allele origin: germline. Inheritance: Autosomal dominant inheritance. Affected: yes.

Natera, Inc.
Classification: Uncertain significance for Metachromatic leukodystrophy. Last evaluated: 2020-09-16. Review status: no assertion criteria provided. Collection method: clinical testing. Allele origin: germline. Not counted in ClinVar's aggregate classification.